The following is an entry in ClinVar:

ClinVar aggregate classification (germline): not provided (0 of 4 stars; one submission).

Allele frequency attached by ClinVar (database versions not stated): ExAC 0.00003; gnomAD 0.00004 and 0.00005; gnomAD exomes 0.00004 and 0.00006; TOPMed 0.00005; ESP Exome Variant Server 0.00008.
gnomAD v4.1: 90 of 1,613,184 alleles (0.0056%); highest among the groups gnomAD compares: Non-Finnish European, 0.0069%; no homozygotes.

Submission:

Human Evolutionary Genetics, Institut Pasteur
No classification provided. Review status: no classification provided. Collection method: not provided. Allele origin: germline.
ClinVar note: Converted during submission from untested to not provided.

NM_176810.2(NLRP13):c.2619-7C>A

Gene: NLRP13 (NLR family pyrin domain containing 13; minus strand). Cytogenetic location: 19q13.43.
Variant type: single nucleotide variant.
Coding change: c.2619-7C>A on transcript NM_176810.2 (MANE Select); 7 bases into the intron before coding-DNA position 2619, C replaced by A.
Molecular consequence: intron variant.
Genome position (GRCh38, 1-based): chr19:55,902,212, G>T on the plus strand (C>A on the coding strand, the complement: NLRP13 is on the minus strand). VCF-style: chr19-55902212-G-T. GRCh37 (hg19) VCF-style: chr19-56413578-G-T.
Other names: c.2619-7C>A (NM_001321057.1).
Identifiers: ClinVar variation 103312 (VCV000103312.2), dbSNP rs199476259, ClinGen allele CA230400.